The following is an entry in ClinVar:

NM_020719.3(PRR12):c.3502C>A (p.Pro1168Thr)

Gene: PRR12 (proline rich 12; plus strand). Cytogenetic location: 19q13.33.
Variant type: single nucleotide variant.
Coding change: c.3502C>A on transcript NM_020719.3 (MANE Select); coding-DNA position 3502, C replaced by A.
Protein change: p.Pro1168Thr; replaces proline 1168 with threonine.
Molecular consequence: missense variant.
Genome position (GRCh38, 1-based): chr19:49,597,837, C>A. VCF-style: chr19-49597837-C-A. GRCh37 (hg19) VCF-style: chr19-50101094-C-A.
Other names: short protein forms P1168T.
Identifiers: ClinVar variation 4887885 (VCV004887885.1).

ClinVar aggregate classification (germline): Uncertain significance (1 of 4 stars; one submission).

Submission:

GeneDx
Classification: Uncertain significance. Last evaluated: 2026-02-12. Review status: criteria provided, single submitter. Criteria: GeneDx Variant Classification Process June 2021. Collection method: clinical testing. Allele origin: germline.
Comment: Not observed at significant frequency in large population cohorts (gnomAD); In silico analysis supports that this missense variant has a deleterious effect on protein structure/function; Has not been previously published as pathogenic or benign to our knowledge